The following is an entry in ClinVar:

NM_139240.4(C1orf105):c.22-1094C>T

Genes: C1orf105 (chromosome 1 open reading frame 105; plus strand), PIGC (phosphatidylinositol glycan anchor biosynthesis class C; minus strand). Cytogenetic location: 1q24.3.
Variant type: single nucleotide variant.
Coding change: c.22-1094C>T on transcript NM_139240.4 (MANE Select); 1094 bases into the intron before coding-DNA position 22, C replaced by T.
Molecular consequence: intron variant.
Genome position (GRCh38, 1-based): chr1:172,443,979, C>T. VCF-style: chr1-172443979-C-T. GRCh37 (hg19) VCF-style: chr1-172413119-C-T.
Other names: c.-209+9G>A (NM_153747.2); c.-232+9G>A (NM_002642.4).
Identifiers: ClinVar variation 4534726 (VCV004534726.6).

ClinVar aggregate classification (germline): Likely benign (1 of 4 stars; one submission).

gnomAD v4.1: 714 of 1,000,280 alleles (0.071%); highest among the groups gnomAD compares: African/African-American, 1.2%; 3 homozygotes.

Submission:

CeGaT Center for Human Genetics Tuebingen
Classification: Likely benign. Last evaluated: 2025-11-01. Review status: criteria provided, single submitter. Criteria: CeGaT Center For Human Genetics Tuebingen Variant Classification Criteria Version 2. Collection method: clinical testing. Allele origin: germline. Affected: yes. Observed: 1 variant allele.
Comment: C1orf105: BS1; PIGC: BS1